The following is an entry in ClinVar:

ClinVar aggregate classification (germline): Uncertain significance (1 of 4 stars; one submission).

Conditions:
LMNB2-related disorder. Also called: LMNB2-related condition.

gnomAD v4.1: 1 of 1,613,504 alleles (0.000062%); highest among the groups gnomAD compares: Non-Finnish European, 0.000085%; no homozygotes.

Submission:

PreventionGenetics, part of Exact Sciences
Classification: Uncertain significance for LMNB2-related condition. Last evaluated: 2022-12-08. Review status: criteria provided, single submitter. Criteria: ACMG Guidelines, 2015. Collection method: clinical testing. Allele origin: germline.
Comment: The LMNB2 c.1648G>C variant is predicted to result in the amino acid substitution p.Gly550Arg. To our knowledge, this variant has not been reported in the literature or in a large population database, indicating this variant is rare. At this time, the clinical significance of this variant is uncertain due to the absence of conclusive functional and genetic evidence.

NM_032737.4(LMNB2):c.1648G>C (p.Gly550Arg)

Gene: LMNB2 (lamin B2; minus strand). Cytogenetic location: 19p13.3.
Variant type: single nucleotide variant.
Coding change: c.1648G>C on transcript NM_032737.4 (MANE Select); coding-DNA position 1648, G replaced by C.
Protein change: p.Gly550Arg; replaces glycine 550 with arginine.
Molecular consequence: missense variant.
Genome position (GRCh38, 1-based): chr19:2,431,845, C>G on the plus strand (G>C on the coding strand, the complement: LMNB2 is on the minus strand). VCF-style: chr19-2431845-C-G. GRCh37 (hg19) VCF-style: chr19-2431843-C-G.
Other names: short protein forms G550R.
Identifiers: ClinVar variation 2628719 (VCV002628719.1), dbSNP rs1429428333, ClinGen allele CA403249409.